The following is an entry in ClinVar:

NM_002474.3(MYH11):c.4888G>C (p.Glu1630Gln)

Genes: MYH11 (myosin heavy chain 11; minus strand), NDE1 (nudE neurodevelopment protein 1; plus strand). Cytogenetic location: 16p13.11.
Variant type: single nucleotide variant.
Coding change: c.4888G>C on transcript NM_002474.3 (MANE Select); coding-DNA position 4888, G replaced by C.
Protein change: p.Glu1630Gln; replaces glutamic acid 1630 with glutamine.
Molecular consequence: missense variant. On other transcripts: intron variant (2).
Genome position (GRCh38, 1-based): chr16:15,720,216, C>G on the plus strand (G>C on the coding strand, the complement: MYH11 is on the minus strand). VCF-style: chr16-15720216-C-G. GRCh37 (hg19) VCF-style: chr16-15814073-C-G.
Other names: c.4909G>C, p.Glu1637Gln (NM_001040113.2, NM_001040114.2); c.4888G>C, p.Glu1630Gln (NM_022844.3); c.948-3975C>G (NM_001143979.2, NM_017668.3); c.4888G>C (NM_002474.2); short protein forms E1637Q, E1630Q.
Identifiers: ClinVar variation 465744 (VCV000465744.10), dbSNP rs1555551728, ClinGen allele CA394852437.

ClinVar aggregate classification (germline): Uncertain significance. Review status: criteria provided, multiple submitters, no conflicts (2 of 4 stars). 3 submissions from 3 submitters: Uncertain significance (3). Last evaluated 2025-09-21.

Conditions:
Familial thoracic aortic aneurysm and aortic dissection (TAAD). Also called: Thoracic aortic aneurysms and dissections. Identifiers: Orphanet 91387, MedGen C4707243, MONDO:0019625.
Aortic aneurysm, familial thoracic 4 (AAT4). Also called: AORTIC ANEURYSM/AORTIC DISSECTION AND PATENT DUCTUS ARTERIOSUS. Identifiers: MedGen C1851504, MONDO:0007568, OMIM 132900.

Allele frequency attached by ClinVar (database versions not stated): gnomAD exomes below 0.00001; gnomAD 0.00001.
gnomAD v4.1: 2 of 1,613,990 alleles (0.00012%); highest among the groups gnomAD compares: Non-Finnish European, 0.00017%; no homozygotes.

Submissions (3):

Ambry Genetics
Classification: Uncertain significance for Familial thoracic aortic aneurysm and aortic dissection. Last evaluated: 2025-09-21. Review status: criteria provided, single submitter. Criteria: Ambry Variant Classification Scheme 2023. Collection method: clinical testing. Allele origin: germline.
Comment: The p.E1630Q variant (also known as c.4888G>C), located in coding exon 33 of the MYH11 gene, results from a G to C substitution at nucleotide position 4888. The glutamic acid at codon 1630 is replaced by glutamine, an amino acid with highly similar properties. This amino acid position is conserved. In addition, the in silico prediction for this alteration is inconclusive. Based on the available evidence, the clinical significance of this variant remains unclear.

All of Us Research Program, National Institutes of Health
Classification: Uncertain significance for Familial thoracic aortic aneurysm and aortic dissection. Last evaluated: 2024-01-11. Review status: criteria provided, single submitter. Criteria: ACMG Guidelines, 2015. Collection method: clinical testing. Allele origin: germline. Inheritance: Autosomal dominant inheritance. Observed: 1 variant allele, 1 heterozygote.
Comment: This study involves interpretation of variants in research participants for the purpose of population health screening. Participant phenotype was not available at the time of variant classification. Additional details can be found in publication PMID: 35346344, PMCID: PMC8962531

Labcorp Genetics (formerly Invitae), Labcorp
Classification: Uncertain significance for Aortic aneurysm, familial thoracic 4. Last evaluated: 2023-10-04. Review status: criteria provided, single submitter. Criteria: Invitae Variant Classification Sherloc (09022015). Collection method: clinical testing. Allele origin: germline.
Comment: This sequence change replaces glutamic acid, which is acidic and polar, with glutamine, which is neutral and polar, at codon 1637 of the MYH11 protein (p.Glu1637Gln). This variant is not present in population databases (gnomAD no frequency). This variant has not been reported in the literature in individuals affected with MYH11-related conditions. ClinVar contains an entry for this variant (Variation ID: 465744). Advanced modeling of protein sequence and biophysical properties (such as structural, functional, and spatial information, amino acid conservation, physicochemical variation, residue mobility, and thermodynamic stability) performed at Invitae indicates that this missense variant is not expected to disrupt MYH11 protein function. In summary, the available evidence is currently insufficient to determine the role of this variant in disease. Therefore, it has been classified as a Variant of Uncertain Significance.